The following is an entry in ClinVar:

ClinVar aggregate classification (germline): Likely benign (1 of 4 stars; one submission).

Submission:

CeGaT Center for Human Genetics Tuebingen
Classification: Likely benign. Last evaluated: 2024-01-01. Review status: criteria provided, single submitter. Criteria: CeGaT Center For Human Genetics Tuebingen Variant Classification Criteria Version 2. Collection method: clinical testing. Allele origin: germline. Affected: yes. Observed: 1 variant allele.
Comment: ZNF595: BP4, BP7

NM_182524.4(ZNF595):c.129G>C (p.Leu43=)

Gene: ZNF595 (zinc finger protein 595; plus strand). Cytogenetic location: 4p16.3.
Variant type: single nucleotide variant.
Coding change: c.129G>C on transcript NM_182524.4 (MANE Select); coding-DNA position 129, G replaced by C.
Protein change: p.Leu43=; no amino-acid change (leucine 43 retained).
Molecular consequence: synonymous variant. On other transcripts: 5 prime UTR variant (1), intron variant (1).
Genome position (GRCh38, 1-based): chr4:59,555, G>C. VCF-style: chr4-59555-G-C. GRCh37 (hg19) VCF-style: chr4-59448-G-C.
Other names: c.129G>C, p.Leu43= (NM_001286052.2); c.-522G>C (NM_001286054.2); c.-324+6064G>C (NM_001286053.2).
Identifiers: ClinVar variation 3025200 (VCV003025200.19), dbSNP rs1484501500, ClinGen allele CA796838157.